The following is an entry in ClinVar:

ClinVar aggregate classification (germline): Uncertain significance (1 of 4 stars; one submission).

Conditions:
Hereditary cancer-predisposing syndrome. Also called: Hereditary neoplastic syndrome; Neoplastic Syndromes, Hereditary; Tumor predisposition; Hereditary Cancer Syndrome. Identifiers: Orphanet 140162, MedGen C0027672, MeSH D009386, MONDO:0015356.

Submission:

Ambry Genetics
Classification: Uncertain significance for Hereditary cancer-predisposing syndrome. Last evaluated: 2025-02-21. Review status: criteria provided, single submitter. Criteria: Ambry Variant Classification Scheme 2023. Collection method: clinical testing. Allele origin: germline.
Comment: The p.V409A variant (also known as c.1226T>C), located in coding exon 7 of the KIT gene, results from a T to C substitution at nucleotide position 1226. The valine at codon 409 is replaced by alanine, an amino acid with similar properties. This amino acid position is conserved. In addition, the in silico prediction for this alteration is inconclusive. Based on the available evidence, the clinical significance of this variant remains unclear.

NM_000222.3(KIT):c.1226T>C (p.Val409Ala)

Gene: KIT (KIT proto-oncogene, receptor tyrosine kinase; plus strand). Cytogenetic location: 4q12.
Variant type: single nucleotide variant.
Coding change: c.1226T>C on transcript NM_000222.3 (MANE Select); coding-DNA position 1226, T replaced by C.
Protein change: p.Val409Ala; replaces valine 409 with alanine.
Molecular consequence: missense variant.
Genome position (GRCh38, 1-based): chr4:54,709,534, T>C. VCF-style: chr4-54709534-T-C. GRCh37 (hg19) VCF-style: chr4-55575700-T-C.
Other names: c.1226T>C, p.Val409Ala (NM_001093772.2, NM_001385285.1, NM_001385286.1); c.1229T>C, p.Val410Ala (NM_001385284.1, NM_001385288.1, NM_001385290.1 and 1 more transcripts); short protein forms V409A, V410A.
Identifiers: ClinVar variation 3864547 (VCV003864547.1).